The following is an entry in ClinVar:

ClinVar aggregate classification (germline): Uncertain significance. Review status: criteria provided, multiple submitters, no conflicts (2 of 4 stars). 2 submissions from 2 submitters: Uncertain significance (2). Last evaluated 2022-07-02.

Conditions:
Alpha thalassemia-X-linked intellectual disability syndrome (ATRX). Also called: ATR, NONDELETION TYPE; ATR-X syndrome; Alpha thalassemia mental retardation syndrome, nondeletion type, X-linked; XLMR hypotonic face syndrome; ALPHA-THALASSEMIA/MENTAL RETARDATION SYNDROME, X-LINKED; X-linked alpha-thalassemia-mental retardation syndrome. Identifiers: Orphanet 847, MedGen C1845055, MONDO:0010519, OMIM 301040.

Submissions (2):

GeneDx
Classification: Uncertain significance. Last evaluated: 2022-07-02. Review status: criteria provided, single submitter. Criteria: GeneDx Variant Classification Process June 2021. Collection method: clinical testing. Allele origin: germline. Affected: yes.
Comment: Not observed at significant frequency in large population cohorts (gnomAD); In-frame deletion of 3 amino acids in a non-repeat region; In silico analysis supports a deleterious effect on protein structure/function; Has not been previously published as pathogenic or benign to our knowledge

Labcorp Genetics (formerly Invitae), Labcorp
Classification: Uncertain significance for Alpha thalassemia-X-linked intellectual disability syndrome. Last evaluated: 2022-03-30. Review status: criteria provided, single submitter. Criteria: Invitae Variant Classification Sherloc (09022015). Collection method: clinical testing. Allele origin: germline.
Comment: In summary, the available evidence is currently insufficient to determine the role of this variant in disease. Therefore, it has been classified as a Variant of Uncertain Significance. Experimental studies and prediction algorithms are not available or were not evaluated, and the functional significance of this variant is currently unknown. This variant has not been reported in the literature in individuals affected with ATRX-related conditions. This variant is not present in population databases (gnomAD no frequency). This variant, c.3266_3274del, results in the deletion of 3 amino acid(s) of the ATRX protein (p.Arg1089_Lys1091del), but otherwise preserves the integrity of the reading frame.

NM_000489.6(ATRX):c.3266_3274del (p.Arg1089_Lys1091del)

Gene: ATRX (ATRX chromatin remodeler; minus strand). Cytogenetic location: Xq21.1.
Variant type: Deletion.
Coding change: c.3266_3274del on transcript NM_000489.6 (MANE Select); coding-DNA positions 3266 to 3274, 9 bases deleted (GAGAGAAGA; older notation c.3266_3274delGAGAGAAGA).
Protein change: p.Arg1089_Lys1091del.
Molecular consequence: inframe deletion.
Genome position (GRCh38, 1-based): chrX:77,681,982-77,681,990, TCTTCTCTC deleted on the plus strand (GAGAGAAGA on the coding strand, the reverse complement: ATRX is on the minus strand); deleting any 9 consecutive bases within chrX:77,681,982-77,681,991 gives the same sequence; the c. name uses the placement nearest the transcript's 3' end. VCF-style (leftmost placement, unchanged base first): chrX-77681981-TTCTTCTCTC-T. GRCh37 (hg19) VCF-style: chrX-76937473-TTCTTCTCTC-T.
Other names: c.3152_3160del, p.Arg1051_Lys1053del (NM_138270.5).
Identifiers: ClinVar variation 1810022 (VCV001810022.6), dbSNP rs2519902824, ClinGen allele CA2580101424.
Genomic context (GRCh38, chrX:77,681,981, plus strand): 5'-GTATCAGATGATGAACAATCTTGTCTCTTCCTTGAACTCTTTCCAAGCAACTTGCACCTT[TTCTTCTCTC>T]TACCATATGCTCCATTCTTACTCTTTTTATCCTCTGAAGAGTCACAACTATCTCCTTTCC-3'